The following is an entry in ClinVar:

NR_199791.1(RNU2-2):n.128C>G

Genes: RNU2-2 (RNA, U2 small nuclear 2; minus strand), WDR74 (WD repeat domain 74; minus strand). Cytogenetic location: 11q12.3.
Variant type: single nucleotide variant.
Molecular consequence: non-coding transcript variant (on NR_199791.1). On other transcripts: 5 prime UTR variant (1).
Genome position: GRCh38 VCF-style: chr11-62841682-G-C. GRCh37 (hg19) VCF-style: chr11-62609154-G-C.
Other names: NM_001369451.1:c.-411C>G; c.-411C>G (NM_001369451.1).
Identifiers: ClinVar variation 4540515 (VCV004540515.2).

ClinVar aggregate classification (germline): Uncertain significance. Review status: criteria provided, multiple submitters, no conflicts (2 of 4 stars). 2 submissions from 2 submitters: Uncertain significance (2). Last evaluated 2026-03-04.

Conditions:
Neurodevelopmental disorder. Identifiers: MedGen C1535926, MeSH D065886, MONDO:0700092.

gnomAD v4.1: 1 of 151,982 alleles (0.00066%); highest among the groups gnomAD compares: Non-Finnish European, 0.0015%; no homozygotes.

Submissions (2):

Broad Center for Mendelian Genomics, Broad Institute of MIT and Harvard
Classification: Uncertain significance for Neurodevelopmental disorder. Last evaluated: 2026-03-04. Review status: criteria provided, single submitter. Criteria: ACMG Guidelines, 2015. Collection method: research. Allele origin: germline. Inheritance: Autosomal recessive inheritance. Study: GREGoR Consortium.
Comment: The n.128C>G variant in RNU2-2 has been identified in the compound heterozygous state with another variant of uncertain significance, in two siblings with global development delays, absent speech, hypotonia, seizure disorder, and IgA deficiency (Broad Institute Rare Genomes Project). This variant has been identified in 0.001% (1/67874) of European (non-Finnish) chromosomes by gnomAD (v4.1.0) which is low enough allele frequency to be consistent with a recessive disorder. Furthermore, although this gene has been reported in association with a dominant neurodevelopmental disorder, this association has not been definitively established with a recessive mode of inheritance. In summary, the clinical significance of this variant is uncertain.

Institute for Human Genetics, University Hospital Essen
Classification: Uncertain significance. Last evaluated: 2025-11-27. Review status: criteria provided, single submitter. Criteria: Submitter's publication. Collection method: clinical testing. Allele origin: inherited. Inheritance: Autosomal unknown. Affected: yes. Observed: 1 variant allele, 1 compound heterozygote.
Comment: PM1_supp, PM2_supp, PM3, PP1 (criteria rationale detailed in Leitão et al. Nature Genetics 2026)